The following is an entry in ClinVar:

ClinVar aggregate classification (germline): Uncertain significance (1 of 4 stars; one submission).

Conditions:
Complex neurodevelopmental disorder. Identifiers: Orphanet 528084, MedGen C5568766, MONDO:0100038.

Submission:

Victorian Clinical Genetics Services, Murdoch Childrens Research Institute
Classification: Uncertain significance for Complex neurodevelopmental disorder. Last evaluated: 2024-11-27. Review status: criteria provided, single submitter. Criteria: ACMG Guidelines, 2015. Collection method: clinical testing. Allele origin: germline. Affected: yes.
Comment: This variant is classified as VUS-3B. Evidence in support of pathogenic classification: Non-canonical splice site variant without proven consequence on splicing (no functional evidence available); Variant is absent from gnomAD (v2, v3 and v4). Additional information: This variant is heterozygous; This gene is associated with autosomal dominant disease; This variant has no previous evidence of pathogenicity; No published segregation evidence has been identified for this variant; No published functional evidence has been identified for this variant; No comparable splice site variants have previous evidence for pathogenicity; in silico prediction for abnormal splicing are conflicting; Loss of function and gain of function are known mechanisms of disease in this gene. Variants causing a gain of function result in developmental and epileptic encephalopathy 11 (MIM#613721) or benign familial infantile seizures 3 (MIM#607745), whereas variants causing loss of function result in autism spectrum disorder and/or intellectual disability, with or without childhood-onset seizures (OMIM, PMIDs: 29691040, 31904126).

Literature cited by the submitters: PubMed 31904126; PubMed 29691040.

NM_001040142.2(SCN2A):c.4446+3A>G

Gene: SCN2A (sodium voltage-gated channel alpha subunit 2; plus strand). Cytogenetic location: 2q24.3.
Variant type: single nucleotide variant.
Coding change: c.4446+3A>G on transcript NM_001040142.2 (MANE Select); 3 bases into the intron after coding-DNA position 4446, A replaced by G.
Molecular consequence: intron variant.
Genome position (GRCh38, 1-based): chr2:165,380,732, A>G. VCF-style: chr2-165380732-A-G. GRCh37 (hg19) VCF-style: chr2-166237242-A-G.
Other names: c.4446+3A>G (NM_001040143.2, NM_001371246.1, NM_001371247.1 and 1 more transcripts).
Identifiers: ClinVar variation 4531777 (VCV004531777.1).
Genomic context (GRCh38, chr2:165,380,732, plus strand): 5'-TACCTTGAATCTTTTCATTGGTGTCATCATAGATAACTTCAACCAACAGAAAAAGAAGAT[A>G]AGTATATTAAAACTTCATCCTTGCTCTGAAATATGAACTAAATATTTCATACTCTTTCCT-3'